The following is an entry in ClinVar:

NM_000414.4(HSD17B4):c.1955_1956delinsAA (p.Trp652Ter)

Gene: HSD17B4 (hydroxysteroid 17-beta dehydrogenase 4; plus strand). Cytogenetic location: 5q23.1.
Variant type: Indel.
Coding change: c.1955_1956delinsAA on transcript NM_000414.4 (MANE Select); coding-DNA positions 1955 to 1956, GG replaced by AA.
Protein change: p.Trp652Ter; replaces tryptophan 652 with a stop codon.
Molecular consequence: nonsense. On other transcripts: non-coding transcript variant (2).
Genome position (GRCh38, 1-based): chr5:119,531,366-119,531,367, GG replaced by AA. VCF-style: chr5-119531366-GG-AA. GRCh37 (hg19) VCF-style: chr5-118867061-GG-AA.
Other names: c.2030_2031delinsAA, p.Trp677Ter (NM_001199291.3); c.1901_1902delinsAA, p.Trp634Ter (NM_001199292.2); c.1883_1884delinsAA, p.Trp628Ter (NM_001292027.2, NM_001374498.1); c.1535_1536delinsAA, p.Trp512Ter (NM_001292028.2); c.1946_1947delinsAA, p.Trp649Ter (NM_001374497.1); c.1628_1629delinsAA, p.Trp543Ter (NM_001374499.1); c.1514_1515delinsAA, p.Trp505Ter (NM_001374500.1); c.1544_1545delinsAA, p.Trp515Ter (NM_001374501.1, NM_001374502.1, NM_001374503.1); short protein forms W505*, W512*, W515*, W543*, W628*, W634*, W649*, W652*.
Identifiers: ClinVar variation 4818346 (VCV004818346.1).
Genomic context (GRCh38, chr5:119,531,366, plus strand): 5'-GACGCCGCCTAAAGGATATTGGGCCTGAGGTGGTGAAGAAAGTAAATGCTGTATTTGAGT[GG>AA]CATATAACCAAAGGCGGAAATATTGGGGCTAAGTGGAGTAAGTTATAGCCCTGATTTTAT-3'

ClinVar aggregate classification (germline): Likely pathogenic (1 of 4 stars; one submission).

Conditions:
Bifunctional peroxisomal enzyme deficiency (DBIF). Also called: DBP DEFICIENCY; PBFE DEFICIENCY; D-bifunctional protein deficiency. Identifiers: Orphanet 300, MedGen C0342870, MONDO:0009855, OMIM 261515. Disease mechanism: loss of function.

Submission:

Natera, Inc.
Classification: Likely pathogenic for Bifunctional peroxisomal enzyme deficiency. Last evaluated: 2024-12-17. Review status: criteria provided, single submitter. Criteria: Natera Variant Classification Schema (03/2026). Collection method: clinical testing. Allele origin: germline.
Comment: The c.1955_1956delinsAA variant in HSD17B4 is a deletion-insertion (delins) variant predicted to replace one or more nucleotides with a different sequence. This variant is expected to result in nonsense mediated decay, truncation, or a dysfunctional protein product. This variant is rare in the general population with a frequency below the threshold expected for the associated phenotype(s). Given the available evidence, this variant is classified as Likely Pathogenic.